The following is an entry in ClinVar:

ClinVar aggregate classification (germline): Uncertain significance. Review status: criteria provided, multiple submitters, no conflicts (2 of 4 stars). 2 submissions from 2 submitters: Uncertain significance (2). Last evaluated 2025-02-13.

Conditions:
Generalized epilepsy-paroxysmal dyskinesia syndrome (PNKD3). Also called: Paroxysmal nonkinesigenic dyskinesia, 3, with or without generalized epilepsy; Generalized epilepsy and paroxysmal dyskinesia. Identifiers: Orphanet 79137, MedGen C5574945, MONDO:0012276, OMIM 609446.

Allele frequency attached by ClinVar (database versions not stated): gnomAD exomes 0.00001.
gnomAD v4.1: 5 of 1,614,034 alleles (0.00031%); highest among the groups gnomAD compares: Admixed American, 0.005%; no homozygotes.

Submissions (2):

GeneDx
Classification: Uncertain significance. Last evaluated: 2025-02-13. Review status: criteria provided, single submitter. Criteria: GeneDx Variant Classification Process June 2021. Collection method: clinical testing. Allele origin: germline. Affected: yes.
Comment: In silico analysis supports that this missense variant has a deleterious effect on protein structure/function; Has not been previously published as pathogenic or benign to our knowledge

Labcorp Genetics (formerly Invitae), Labcorp
Classification: Uncertain significance for Paroxysmal nonkinesigenic dyskinesia, 3, with or without generalized epilepsy. Last evaluated: 2019-10-22. Review status: criteria provided, single submitter. Criteria: Invitae Variant Classification Sherloc (09022015). Collection method: clinical testing. Allele origin: germline.
Comment: This sequence change replaces asparagine with serine at codon 1036 of the KCNMA1 protein (p.Asn1036Ser). The asparagine residue is highly conserved and there is a small physicochemical difference between asparagine and serine. This variant is not present in population databases (ExAC no frequency). This variant has not been reported in the literature in individuals with KCNMA1-related conditions. Algorithms developed to predict the effect of missense changes on protein structure and function are either unavailable or do not agree on the potential impact of this missense change (SIFT: "Deleterious"; PolyPhen-2: "Benign"; Align-GVGD: "Class C45"). Algorithms developed to predict the effect of sequence changes on RNA splicing suggest that this variant may create or strengthen a splice site, but this prediction has not been confirmed by published transcriptional studies. In summary, the available evidence is currently insufficient to determine the role of this variant in disease. Therefore, it has been classified as a Variant of Uncertain Significance.

NM_001161352.2(KCNMA1):c.3281A>G (p.Asn1094Ser)

Genes: KCNMA1 (potassium calcium-activated channel subfamily M alpha 1; minus strand), KCNMA1-AS1 (KCNMA1 antisense RNA 1; plus strand). Cytogenetic location: 10q22.3.
Variant type: single nucleotide variant.
Coding change: c.3281A>G on transcript NM_001161352.2 (MANE Select); coding-DNA position 3281, A replaced by G.
Protein change: p.Asn1094Ser; replaces asparagine 1094 with serine.
Molecular consequence: missense variant.
Genome position (GRCh38, 1-based): chr10:76,891,586, T>C on the plus strand (A>G on the coding strand, the complement: KCNMA1 is on the minus strand). VCF-style: chr10-76891586-T-C. GRCh37 (hg19) VCF-style: chr10-78651344-T-C.
Other names: c.3119A>G, p.Asn1040Ser (NM_001014797.3); c.3230A>G, p.Asn1077Ser (NM_001161353.2); c.2957A>G, p.Asn986Ser (NM_001271518.2); c.3197A>G, p.Asn1066Ser (NM_001271519.2); c.3116A>G, p.Asn1039Ser (NM_001322829.2, NM_001322836.2); c.3209A>G, p.Asn1070Ser (NM_001322830.2); c.3107A>G, p.Asn1036Ser (NM_001322832.2, NM_002247.4); c.3200A>G, p.Asn1067Ser (NM_001322835.2, NM_001322837.2); and 1 more; short protein forms N1039S, N1094S, N986S, N1036S, N1077S, N1040S, N1067S, N885S.
Identifiers: ClinVar variation 960894 (VCV000960894.4), dbSNP rs1395464276, ClinGen allele CA377403412.